The following is an entry in ClinVar:

NM_000368.5(TSC1):c.1510G>T (p.Asp504Tyr)

Gene: TSC1 (TSC complex subunit 1; minus strand). Cytogenetic location: 9q34.13.
Variant type: single nucleotide variant.
Coding change: c.1510G>T on transcript NM_000368.5 (MANE Select); coding-DNA position 1510, G replaced by T.
Protein change: p.Asp504Tyr; replaces aspartic acid 504 with tyrosine.
Molecular consequence: missense variant.
Genome position (GRCh38, 1-based): chr9:132,906,068, C>A on the plus strand (G>T on the coding strand, the complement: TSC1 is on the minus strand). VCF-style: chr9-132906068-C-A. GRCh37 (hg19) VCF-style: chr9-135781455-C-A.
Other names: c.1147G>T, p.Asp383Tyr (NM_001406614.1, NM_001406615.1, NM_001406616.1 and 5 more transcripts); c.1144G>T, p.Asp382Tyr (NM_001406620.1, NM_001406621.1, NM_001406622.1 and 2 more transcripts); c.1507G>T, p.Asp503Tyr (NM_001162426.2, NM_001406597.1, NM_001406598.1 and 6 more transcripts); c.1357G>T, p.Asp453Tyr (NM_001162427.2, NM_001406610.1); c.1510G>T, p.Asp504Tyr (NM_001406592.1, NM_001406593.1, NM_001406594.1 and 7 more transcripts); c.1354G>T, p.Asp452Tyr (NM_001406611.1, NM_001406612.1, NM_001406613.1); c.559G>T, p.Asp187Tyr (NM_001406626.1); c.556G>T, p.Asp186Tyr (NM_001406627.1, NM_001406628.1); and 1 more; short protein forms D383Y, D453Y, D186Y, D187Y, D382Y, D452Y, D153Y, D504Y.
Identifiers: ClinVar variation 1963301 (VCV001963301.7), dbSNP rs1411711162, ClinGen allele CA375365321.

ClinVar aggregate classification (germline): Conflicting classifications of pathogenicity. Review status: criteria provided, conflicting classifications (1 of 4 stars). 3 submissions from 3 submitters: Uncertain significance (2); Likely benign (1). Last evaluated 2025-07-02.

Conditions:
Tuberous sclerosis 1 (TSC1). Identifiers: Orphanet 805, MedGen C1854465, MONDO:0008612, OMIM 191100.
Isolated focal cortical dysplasia type II (FCORD2). Also called: CORTICAL DYSPLASIA OF TAYLOR; Focal cortical dysplasia type II. Identifiers: Orphanet 268994, MedGen C1846385, MONDO:0011818, OMIM 607341, HP:0032051.

Allele frequency attached by ClinVar (database versions not stated): gnomAD exomes below 0.00001; gnomAD 0.00001.
gnomAD v4.1: 2 of 1,613,940 alleles (0.00012%); highest among the groups gnomAD compares: South Asian, 0.0022%; no homozygotes.

Submissions (3):

Labcorp Genetics (formerly Invitae), Labcorp
Classification: Likely benign for Tuberous sclerosis 1. Last evaluated: 2025-07-02. Review status: criteria provided, single submitter. Criteria: Invitae Variant Classification Sherloc (09022015). Collection method: clinical testing. Allele origin: germline.

GeneDx
Classification: Uncertain significance. Last evaluated: 2025-06-24. Review status: criteria provided, single submitter. Criteria: GeneDx Variant Classification Process June 2021. Collection method: clinical testing. Allele origin: germline. Affected: yes.
Comment: In silico analysis suggests that this missense variant does not alter protein structure/function; Has not been previously published as pathogenic or benign to our knowledge

Baylor Genetics
Classification: Uncertain significance for Isolated focal cortical dysplasia type II. Last evaluated: 2023-09-06. Review status: criteria provided, single submitter. Criteria: ACMG Guidelines, 2015. Collection method: clinical testing. Allele origin: unknown.